The following is an entry in ClinVar:

ClinVar aggregate classification (germline): Uncertain significance (1 of 4 stars; one submission).

Conditions:
Leigh syndrome (NULS). Also called: Leigh's necrotizing encephalopathy; Leigh's disease; Leigh's syndrome; LEIGH SYNDROME, NUCLEAR; Leigh Syndrome (mtDNA deletion); Leigh Disease. Identifiers: Orphanet 506, MedGen C2931891, MONDO:0009723, OMIM 256000.

Submission:

Wong Mito Lab, Molecular and Human Genetics, Baylor College of Medicine
Classification: Uncertain significance for Leigh syndrome. Last evaluated: 2019-10-17. Review status: criteria provided, single submitter. Criteria: Modified ACMG Guidelines (Unpublished). Collection method: clinical testing. Allele origin: germline.
Comment: The NC_012920.1:m.15243G>A (YP_003024038.1:p.Gly166Glu) variant in MTCYB gene is interpretated to be a Uncertain Significance variant based on the modified ACMG guidelines (unpublished). This variant meets the following evidence codes: PP6

Literature cited by the submitters: PubMed 10453733.

NC_012920.1(MT-CYB):m.15243G>A

Gene: MT-CYB (mitochondrially encoded cytochrome b; plus strand).
Variant type: single nucleotide variant.
Genome position: chrM-15243-G-A.
Identifiers: ClinVar variation 693852 (VCV000693852.1), dbSNP rs1603225167, ClinGen allele CA913173334.